The following is an entry in ClinVar:

ClinVar aggregate classification (germline): Pathogenic. Review status: criteria provided, multiple submitters, no conflicts (2 of 4 stars). 2 submissions from 2 submitters: Pathogenic (2). Last evaluated 2026-08-04.

Conditions:
Hereditary cancer-predisposing syndrome. Also called: Hereditary Cancer Syndrome; Neoplastic Syndromes, Hereditary; Hereditary neoplastic syndrome; Tumor predisposition. Identifiers: Orphanet 140162, MedGen C0027672, MeSH D009386, MONDO:0015356.
Hereditary breast ovarian cancer syndrome. Also called: Breast and ovarian cancer; Hereditary breast and ovarian cancer syndrome; Hereditary breast and ovarian cancer syndrome (HBOC); Hereditary breast and ovarian cancer; Hereditary breast and/or ovarian cancer syndrome; BRCA1- and BRCA2-Associated Hereditary Breast and Ovarian Cancer. Identifiers: Orphanet 145, MedGen C0677776, MeSH D061325, MONDO:0003582. Disease mechanism: loss of function.

Submissions (2):

Ambry Genetics
Classification: Pathogenic for Hereditary cancer-predisposing syndrome. Last evaluated: 2026-08-04. Review status: criteria provided, single submitter. Criteria: Ambry Variant Classification Scheme 2023. Collection method: clinical testing. Allele origin: germline.
Comment: The c.2107dupA pathogenic mutation, located in coding exon 10 of the BRCA2 gene, results from a duplication of A at nucleotide position 2107, causing a translational frameshift with a predicted alternate stop codon (p.T703Nfs*5). This variant is considered to be rare based on population cohorts in the Genome Aggregation Database (gnomAD). This alteration is expected to result in loss of function by premature protein truncation or nonsense-mediated mRNA decay. As such, this alteration is interpreted as a disease-causing mutation.

Labcorp Genetics (formerly Invitae), Labcorp
Classification: Pathogenic for Hereditary breast ovarian cancer syndrome. Last evaluated: 2021-11-15. Review status: criteria provided, single submitter. Criteria: Invitae Variant Classification Sherloc (09022015). Collection method: clinical testing. Allele origin: germline.
Comment: For these reasons, this variant has been classified as Pathogenic. This variant has not been reported in the literature in individuals affected with BRCA2-related conditions. This variant is not present in population databases (gnomAD no frequency). This sequence change creates a premature translational stop signal (p.Thr703Asnfs*5) in the BRCA2 gene. It is expected to result in an absent or disrupted protein product. Loss-of-function variants in BRCA2 are known to be pathogenic (PMID: 20104584).

Literature cited by the submitters: PubMed 20104584 (cited by Labcorp Genetics (formerly Invitae), Labcorp).

NM_000059.4(BRCA2):c.2107dup (p.Thr703fs)

Gene: BRCA2 (BRCA2 DNA repair associated; plus strand). Cytogenetic location: 13q13.1.
Variant type: Duplication.
Coding change: c.2107dup on transcript NM_000059.4 (MANE Select); coding-DNA position 2107, one base duplicated (A; older notation c.2107dupA).
Protein change: p.Thr703fs; shifts the reading frame from threonine 703.
Molecular consequence: frameshift variant.
Genome position (GRCh38, 1-based): chr13:32,336,462, A duplicated. VCF-style (leftmost placement, unchanged base first): chr13-32336461-T-TA. GRCh37 (hg19) VCF-style: chr13-32910598-T-TA.
Other names: c.2107dupA (NM_000059.3); short protein forms T703fs.
Identifiers: ClinVar variation 1414959 (VCV001414959.7), dbSNP rs2137483340, ClinGen allele CA2573149361.